The following is an entry in ClinVar:

ClinVar aggregate classification (germline): Likely pathogenic. Review status: criteria provided, multiple submitters, no conflicts (2 of 4 stars). 2 submissions from 2 submitters: Likely pathogenic (2). Last evaluated 2023-12-19.

Conditions:
Cerebrooculofacioskeletal syndrome 2 (COFS2). Identifiers: MedGen C1853102, MONDO:0012553, OMIM 610756.

Allele frequency attached by ClinVar (database versions not stated): gnomAD exomes below 0.00001; ExAC 0.00001; gnomAD 0.00001 and 0.00002; TOPMed 0.00001.
gnomAD v4.1: 2 of 1,613,840 alleles (0.00012%); highest among the groups gnomAD compares: African/African-American, 0.0027%; no homozygotes.

Submissions (4):

Labcorp Genetics (formerly Invitae), Labcorp
Classification: Likely pathogenic. Last evaluated: 2023-12-19. Review status: criteria provided, single submitter. Criteria: Invitae Variant Classification Sherloc (09022015). Collection method: clinical testing. Allele origin: germline.
Comment: This sequence change affects a donor splice site in intron 18 of the ERCC2 gene. It is expected to disrupt RNA splicing. Variants that disrupt the donor or acceptor splice site typically lead to a loss of protein function (PMID: 16199547), and loss-of-function variants in ERCC2 are known to be pathogenic (PMID: 9238033, 11335038, 19085937, 19934020). This variant is present in population databases (rs760834687, gnomAD 0.007%). This variant has not been reported in the literature in individuals affected with ERCC2-related conditions. ClinVar contains an entry for this variant (Variation ID: 1679192). Algorithms developed to predict the effect of sequence changes on RNA splicing suggest that this variant may disrupt the consensus splice site. In summary, the currently available evidence indicates that the variant is pathogenic, but additional data are needed to prove that conclusively. Therefore, this variant has been classified as Likely Pathogenic.

Baylor Genetics
Classification: Likely pathogenic for Cerebrooculofacioskeletal syndrome 2. Last evaluated: 2023-10-05. Review status: criteria provided, single submitter. Criteria: ACMG Guidelines, 2015. Collection method: clinical testing. Allele origin: unknown.

Dr. Peter K. Rogan Lab, Western University
No classification provided (evidence only). Condition: Familial cancer of breast. Review status: no classification provided. Collection method: in vitro. Allele origin: not applicable. Functional consequence: skipped exon, retained intron. Not counted in ClinVar's aggregate classification.

MutSpliceDB: a database of splice sites variants effects on splicing, NIH
No classification provided (evidence only). Review status: no classification provided. Collection method: in vivo. Allele origin: not applicable. Functional consequence: retained intron. Not counted in ClinVar's aggregate classification.

Literature cited by the submitters: PubMed 16199547 (cited by Labcorp Genetics (formerly Invitae), Labcorp); PubMed 9238033 (cited by Labcorp Genetics (formerly Invitae), Labcorp); PubMed 11335038 (cited by Labcorp Genetics (formerly Invitae), Labcorp); PubMed 19085937 (cited by Labcorp Genetics (formerly Invitae), Labcorp); PubMed 19934020 (cited by Labcorp Genetics (formerly Invitae), Labcorp).

NM_000400.4(ERCC2):c.1758+1G>A

Gene: ERCC2 (ERCC excision repair 2, TFIIH core complex helicase subunit; minus strand). Cytogenetic location: 19q13.32.
Variant type: single nucleotide variant.
Coding change: c.1758+1G>A on transcript NM_000400.4 (MANE Select); the canonical splice donor site of the intron after coding-DNA position 1758, G replaced by A.
Molecular consequence: splice donor variant.
Genome position (GRCh38, 1-based): chr19:45,353,241, C>T on the plus strand (G>A on the coding strand, the complement: ERCC2 is on the minus strand). VCF-style: chr19-45353241-C-T. GRCh37 (hg19) VCF-style: chr19-45856499-C-T.
Other names: NM_000400.4:c.1758+1G>A.
Identifiers: ClinVar variation 1679192 (VCV001679192.8), dbSNP rs760834687, ClinGen allele CA9513120.